The following is an entry in ClinVar:

ClinVar aggregate classification (germline): Likely benign. Review status: criteria provided, multiple submitters, no conflicts (2 of 4 stars). 4 submissions from 4 submitters: Likely benign (3). 1 of the submissions does not count toward it. Last evaluated 2024-07-04.

Conditions:
Cardiovascular phenotype. Identifiers: MedGen CN230736.
AKAP9-related disorder. Also called: AKAP9-related condition.
Long QT syndrome (LQTS). Identifiers: MedGen C0023976, MeSH D008133, MONDO:0002442. Disease mechanism: loss of function. Inheritance: Various modes of inheritance.

Allele frequency attached by ClinVar (database versions not stated): gnomAD exomes 0.00004 and 0.00007; gnomAD 0.00006 and 0.00007; ExAC 0.00007; TOPMed 0.00007; ESP Exome Variant Server 0.00031.
gnomAD v4.1: 72 of 1,614,106 alleles (0.0045%); highest among the groups gnomAD compares: Non-Finnish European, 0.0058%; no homozygotes.

Submissions (4):

Blueprint Genetics
Classification: Likely benign. Last evaluated: 2024-07-04. Review status: criteria provided, single submitter. Criteria: ACMG Guidelines, 2015. Collection method: clinical testing. Allele origin: germline.

Labcorp Genetics (formerly Invitae), Labcorp
Classification: Likely benign for Long QT syndrome. Last evaluated: 2024-03-14. Review status: criteria provided, single submitter. Criteria: Invitae Variant Classification Sherloc (09022015). Collection method: clinical testing. Allele origin: germline.

Ambry Genetics
Classification: Likely benign for Cardiovascular phenotype. Last evaluated: 2017-12-01. Review status: criteria provided, single submitter. Criteria: Ambry Variant Classification Scheme 2023. Collection method: clinical testing. Allele origin: germline.

PreventionGenetics, part of Exact Sciences
Classification: Likely benign for AKAP9-related condition. Last evaluated: 2019-11-21. Review status: no assertion criteria provided. Collection method: clinical testing. Allele origin: germline. Not counted in ClinVar's aggregate classification.
Comment: This variant is classified as likely benign based on ACMG/AMP sequence variant interpretation guidelines (Richards et al. 2015 PMID: 25741868, with internal and published modifications).

NM_005751.5(AKAP9):c.9867A>G (p.Ser3289=)

Gene: AKAP9 (A-kinase anchoring protein 9; plus strand). Cytogenetic location: 7q21.2.
Variant type: single nucleotide variant.
Coding change: c.9867A>G on transcript NM_005751.5 (MANE Select); coding-DNA position 9867, A replaced by G.
Protein change: p.Ser3289=; no amino-acid change (serine 3289 retained).
Molecular consequence: synonymous variant.
Genome position (GRCh38, 1-based): chr7:92,096,826, A>G. VCF-style: chr7-92096826-A-G. GRCh37 (hg19) VCF-style: chr7-91726140-A-G.
Other names: c.4512A>G, p.Ser1504= (NM_001379277.1); c.9843A>G, p.Ser3281= (NM_147185.3).
Identifiers: ClinVar variation 518754 (VCV000518754.19), dbSNP rs61757675, ClinGen allele CA4337861.